The following is an entry in ClinVar:

ClinVar aggregate classification (germline): Likely benign (0 of 4 stars; one submission).

Conditions:
RAI1-related disorder. Also called: RAI1-related condition.

Submission:

PreventionGenetics, part of Exact Sciences
Classification: Likely benign for RAI1-related condition. Last evaluated: 2024-03-27. Review status: no assertion criteria provided. Collection method: clinical testing. Allele origin: germline.
Comment: This variant is classified as likely benign based on ACMG/AMP sequence variant interpretation guidelines (Richards et al. 2015 PMID: 25741868, with internal and published modifications).

NM_030665.4(RAI1):c.-148-56C>T

Gene: RAI1 (retinoic acid induced 1; plus strand). Cytogenetic location: 17p11.2.
Variant type: single nucleotide variant.
Coding change: c.-148-56C>T on transcript NM_030665.4 (MANE Select); 56 bases into the intron before 148 bases upstream of the start codon, C replaced by T.
Molecular consequence: intron variant.
Genome position (GRCh38, 1-based): chr17:17,723,972, C>T. VCF-style: chr17-17723972-C-T. GRCh37 (hg19) VCF-style: chr17-17627286-C-T.
Identifiers: ClinVar variation 3357751 (VCV003357751.1).